The following is an entry in ClinVar:

ClinVar aggregate classification (germline): Uncertain significance (1 of 4 stars; one submission).

Submission:

Labcorp Genetics (formerly Invitae), Labcorp
Classification: Uncertain significance. Last evaluated: 2023-10-05. Review status: criteria provided, single submitter. Criteria: Invitae Variant Classification Sherloc (09022015). Collection method: clinical testing. Allele origin: germline.
Comment: This sequence change replaces leucine, which is neutral and non-polar, with proline, which is neutral and non-polar, at codon 58 of the GFAP protein (p.Leu58Pro). This variant is not present in population databases (gnomAD no frequency). This variant has not been reported in the literature in individuals affected with GFAP-related conditions. Advanced modeling of protein sequence and biophysical properties (such as structural, functional, and spatial information, amino acid conservation, physicochemical variation, residue mobility, and thermodynamic stability) has been performed at Invitae for this missense variant, however the output from this modeling did not meet the statistical confidence thresholds required to predict the impact of this variant on GFAP protein function. In summary, the available evidence is currently insufficient to determine the role of this variant in disease. Therefore, it has been classified as a Variant of Uncertain Significance.

NM_002055.5(GFAP):c.173T>C (p.Leu58Pro)

Gene: GFAP (glial fibrillary acidic protein; minus strand). Cytogenetic location: 17q21.31.
Variant type: single nucleotide variant.
Coding change: c.173T>C on transcript NM_002055.5 (MANE Select); coding-DNA position 173, T replaced by C.
Protein change: p.Leu58Pro; replaces leucine 58 with proline.
Molecular consequence: missense variant.
Genome position (GRCh38, 1-based): chr17:44,915,314, A>G on the plus strand (T>C on the coding strand, the complement: GFAP is on the minus strand). VCF-style: chr17-44915314-A-G. GRCh37 (hg19) VCF-style: chr17-42992682-A-G.
Other names: c.173T>C, p.Leu58Pro (NM_001131019.3, NM_001242376.3, NM_001363846.2); short protein forms L58P.
Identifiers: ClinVar variation 2915904 (VCV002915904.3), dbSNP rs2508950096, ClinGen allele CA399848932.